The following is an entry in ClinVar:

ClinVar aggregate classification (germline): Benign/Likely benign. Review status: criteria provided, multiple submitters, no conflicts (2 of 4 stars). 3 submissions from 3 submitters: Benign (1); Likely benign (2). Last evaluated 2025-05-22.

Conditions:
Pheochromocytoma. Also called: MAX-Related Hereditary Paraganglioma-Pheochromocytoma Syndrome. Identifiers: Orphanet 29072, MedGen C0031511, MONDO:0008233, OMIM 171300, HP:0002666.
Gastrointestinal stromal tumor. Also called: Gastrointestinal stroma tumor; Gastrointestinal stromal tumor, somatic. Identifiers: Orphanet 44890, MedGen C0238198, MeSH D046152, MONDO:0011719, OMIM 606764, HP:0100723.
Pheochromocytoma/paraganglioma syndrome 4. Also called: SDHB-Related Hereditary Paraganglioma-Pheochromocytoma Syndrome (Paragangliomas 4); SDHB-Related Hereditary Paraganglioma-Pheochromocytoma Syndrome; CAROTID BODY TUMORS AND MULTIPLE EXTRAADRENAL PHEOCHROMOCYTOMAS; PARAGANGLIOMA, FAMILIAL MALIGNANT; PARAGANGLIOMAS, HEREDITARY EXTRAADRENAL; PHEOCHROMOCYTOMA, FAMILIAL EXTRAADRENAL. Identifiers: Orphanet 29072, MedGen C1861848, MONDO:0007273, OMIM 115310.
Hereditary cancer-predisposing syndrome. Also called: Neoplastic Syndromes, Hereditary; Hereditary Cancer Syndrome; Hereditary neoplastic syndrome; Tumor predisposition. Identifiers: Orphanet 140162, MedGen C0027672, MeSH D009386, MONDO:0015356.

Allele frequency attached by ClinVar (database versions not stated): TOPMed below 0.00001.

Submissions (3):

Labcorp Genetics (formerly Invitae), Labcorp
Classification: Likely benign for Gastrointestinal stromal tumor; Pheochromocytoma/paraganglioma syndrome 4; Pheochromocytoma. Last evaluated: 2025-05-22. Review status: criteria provided, single submitter. Criteria: Invitae Variant Classification Sherloc (09022015). Collection method: clinical testing. Allele origin: germline.

Myriad Genetics, Inc.
Classification: Benign for Pheochromocytoma/paraganglioma syndrome 4. Last evaluated: 2025-03-12. Review status: criteria provided, single submitter. Criteria: Myriad Autosomal Dominant, Autosomal Recessive and X-Linked Classification Criteria (2023). Collection method: clinical testing. Allele origin: unknown.
Comment: This variant is considered benign. This variant is a silent/synonymous amino acid change and it is not expected to impact splicing.

Ambry Genetics
Classification: Likely benign for Hereditary cancer-predisposing syndrome. Last evaluated: 2020-05-07. Review status: criteria provided, single submitter. Criteria: Ambry Variant Classification Scheme 2023. Collection method: clinical testing. Allele origin: germline.

NM_003000.3(SDHB):c.96T>G (p.Ala32=)

Gene: SDHB (succinate dehydrogenase complex iron sulfur subunit B; minus strand). Cytogenetic location: 1p36.13.
Variant type: single nucleotide variant.
Coding change: c.96T>G on transcript NM_003000.3 (MANE Select); coding-DNA position 96, T replaced by G.
Protein change: p.Ala32=; no amino-acid change (alanine 32 retained).
Molecular consequence: synonymous variant.
Genome position (GRCh38, 1-based): chr1:17,044,865, A>C on the plus strand (T>G on the coding strand, the complement: SDHB is on the minus strand). VCF-style: chr1-17044865-A-C. GRCh37 (hg19) VCF-style: chr1-17371360-A-C.
Identifiers: ClinVar variation 1115819 (VCV001115819.10), dbSNP rs1484330671, ClinGen allele CA416047155.
Genomic context (GRCh38, chr1:17,044,865, plus strand): 5'-AGCCTTGTCTGGGTCCCATCGATAGATGGCAAATTTCTTGATACGGGGAGCTGTGGCTGC[A>C]GCTGTCTGGGCTCCTCGGGAGGCCTGAAATTTTTTAAAGTTCACAAAAAGGAAAAAAAAA-3'
Protein context (NP_002991.2, residues 22-42): CLQASRGAQT[Ala32=]AATAPRIKKF